The following is an entry in ClinVar:

ClinVar aggregate classification (germline): Pathogenic (1 of 4 stars; one submission).

Conditions:
Cardiovascular phenotype. Identifiers: MedGen CN230736.

Submission:

Ambry Genetics
Classification: Pathogenic for Cardiovascular phenotype. Last evaluated: 2026-01-06. Review status: criteria provided, single submitter. Criteria: Ambry Variant Classification Scheme 2023. Collection method: clinical testing. Allele origin: germline.
Comment: The p.K444* pathogenic mutation (also known as c.1330A>T), located in coding exon 11 of the DSP gene, results from an A to T substitution at nucleotide position 1330. This changes the amino acid from a lysine to a stop codon within coding exon 11. This variant is considered to be rare based on population cohorts in the Genome Aggregation Database (gnomAD). This alteration is expected to result in loss of function by premature protein truncation or nonsense-mediated mRNA decay. As such, this alteration is interpreted as a disease-causing mutation.

NM_004415.4(DSP):c.1330A>T (p.Lys444Ter)

Gene: DSP (desmoplakin; plus strand). Cytogenetic location: 6p24.3.
Variant type: single nucleotide variant.
Coding change: c.1330A>T on transcript NM_004415.4 (MANE Select); coding-DNA position 1330, A replaced by T.
Protein change: p.Lys444Ter; replaces lysine 444 with a stop codon.
Molecular consequence: nonsense.
Genome position (GRCh38, 1-based): chr6:7,568,500, A>T. VCF-style: chr6-7568500-A-T. GRCh37 (hg19) VCF-style: chr6-7568733-A-T.
Other names: c.1330A>T, p.Lys444Ter (NM_001008844.3, NM_001319034.2, NM_001406591.1); short protein forms K444*.
Identifiers: ClinVar variation 4843726 (VCV004843726.1).